The following is an entry in ClinVar:

NM_000136.3(FANCC):c.3G>A (p.Met1Ile)

Gene: FANCC (FA complementation group C; minus strand). Cytogenetic location: 9q22.32.
Variant type: single nucleotide variant.
Coding change: c.3G>A on transcript NM_000136.3 (MANE Select); coding-DNA position 3, G replaced by A.
Protein change: p.Met1Ile; changes the start codon (methionine 1).
Molecular consequence: missense variant, initiator codon variant.
Genome position (GRCh38, 1-based): chr9:95,249,289, C>T on the plus strand (G>A on the coding strand, the complement: FANCC is on the minus strand). VCF-style: chr9-95249289-C-T. GRCh37 (hg19) VCF-style: chr9-98011571-C-T.
Other names: c.3G>A, p.Met1Ile (NM_001243743.2, NM_001243744.2); short protein forms M1I.
Identifiers: ClinVar variation 632544 (VCV000632544.12), dbSNP rs1368374192, ClinGen allele CA374340548.
Genomic context (GRCh38, chr9:95,249,289, plus strand): 5'-TACAGAAAGCTTCTGCATCCAAAACTGATAATCACAAGAAAGATCTACTGAATCTTGAGC[C>T]ATCTTGGAAAAAGCGAAAAGGTGATGTCCCTTCACAGCAGCCTGTCCAGCACTGAAGGAA-3'
Protein context (NP_000127.2, residues 1-11): [Met1Ile]AQDSVDLSCD

ClinVar aggregate classification (germline): Conflicting classifications of pathogenicity. Review status: criteria provided, conflicting classifications (1 of 4 stars). 3 submissions from 3 submitters: Pathogenic (1); Uncertain significance (2). Last evaluated 2024-08-31.

Conditions:
Hereditary cancer-predisposing syndrome. Also called: Tumor predisposition; Neoplastic Syndromes, Hereditary; Hereditary neoplastic syndrome; Hereditary Cancer Syndrome. Identifiers: Orphanet 140162, MedGen C0027672, MeSH D009386, MONDO:0015356.
Fanconi anemia (FA). Also called: Fanconi's anemia. Identifiers: Orphanet 84, MedGen C0015625, MeSH D005199, MONDO:0019391.

Submissions (3):

Labcorp Genetics (formerly Invitae), Labcorp
Classification: Uncertain significance for Fanconi anemia. Last evaluated: 2024-08-31. Review status: criteria provided, single submitter. Criteria: Invitae Variant Classification Sherloc (09022015). Collection method: clinical testing. Allele origin: germline.
Comment: This sequence change affects the initiator methionine of the FANCC mRNA. The next in-frame methionine is located at codon 16. This variant is not present in population databases (gnomAD no frequency). Disruption of the initiator codon has been observed in individual(s) with head and neck cancer (PMID: 28678401). ClinVar contains an entry for this variant (Variation ID: 632544). In summary, the available evidence is currently insufficient to determine the role of this variant in disease. Therefore, it has been classified as a Variant of Uncertain Significance.

Women's Health and Genetics/Laboratory Corporation of America, LabCorp
Classification: Uncertain significance. Last evaluated: 2022-10-15. Review status: criteria provided, single submitter. Criteria: LabCorp Variant Classification Summary - May 2015. Collection method: clinical testing. Allele origin: germline.
Comment: Variant summary: FANCC c.3G>A (p.Met1Ile) alters the initiation codon and is predicted to result either in absence of the protein or truncation of the encoded protein due to translation initiation at a downstream codon; the next in-frame Methionine occurs at codon 16 in the native protein sequence. Three of four in-silico tools predict a damaging effect of the variant on protein function. The variant was absent in 250170 control chromosomes (gnomAD). The available data on variant occurrences in the general population are insufficient to allow any conclusion about variant significance. c.3G>A has been reported in the literature in at least one individual affected with Head and Neck Squamous Cell Carcinoma (Chandrasekharappa_2017). This report does not provide unequivocal conclusions about association of the variant with Fanconi Anemia Group C. To our knowledge, no experimental evidence demonstrating an impact on protein function has been reported. Two ClinVar submitters have assessed the variant since 2014: both classified the variant as of uncertain significance. Based on the evidence outlined above, the variant was classified as uncertain significance.

Ambry Genetics
Classification: Pathogenic for Hereditary cancer-predisposing syndrome. Last evaluated: 2021-09-07. Review status: criteria provided, single submitter. Criteria: Ambry Variant Classification Scheme 2023. Collection method: clinical testing. Allele origin: germline.
Comment: The p.M1? pathogenic mutation (also known as c.3G>A) is located in coding exon 1 of the FANCC gene and results from a G to A substitution at nucleotide position 3. This alters the methionine residue at the initiation codon (ATG). Sequence variations that modify the initiation codon are expected to result in either loss of translation initiation, N-terminal truncation, or cause a shift in the mRNA reading frame. Based on the supporting evidence, this alteration is interpreted as a disease-causing mutation.

Literature cited by the submitters: PubMed 28678401 (cited by Labcorp Genetics (formerly Invitae), Labcorp and Women's Health and Genetics/Laboratory Corporation of America, LabCorp).